The following is an entry in ClinVar:

NM_000135.4(FANCA):c.893+910A>C

Gene: FANCA (FA complementation group A; minus strand). Cytogenetic location: 16q24.3.
Variant type: single nucleotide variant.
Coding change: c.893+910A>C on transcript NM_000135.4 (MANE Select); 910 bases into the intron after coding-DNA position 893, A replaced by C.
Molecular consequence: intron variant.
Genome position (GRCh38, 1-based): chr16:89,798,256, T>G on the plus strand (A>C on the coding strand, the complement: FANCA is on the minus strand). VCF-style: chr16-89798256-T-G. GRCh37 (hg19) VCF-style: chr16-89864664-T-G.
Other names: c.893+910A>C (NM_001286167.3).
Identifiers: ClinVar variation 3031322 (VCV003031322.3), dbSNP rs769357931, ClinGen allele CA286598765.

ClinVar aggregate classification (germline): Likely benign. Review status: criteria provided, single submitter (1 of 4 stars). 2 submissions from 2 submitters: Likely benign (1). 1 of the submissions does not count toward it. Last evaluated 2024-09-21.

Conditions:
FANCA-related disorder. Also called: FANCA-related condition.

Allele frequency attached by ClinVar (database versions not stated): gnomAD exomes 0.00012.
gnomAD v4.1: 91 of 855,026 alleles (0.011%); highest among the groups gnomAD compares: Non-Finnish European, 0.013%; no homozygotes.

Submissions (2):

Blueprint Genetics
Classification: Likely benign. Last evaluated: 2024-09-21. Review status: criteria provided, single submitter. Criteria: ACMG Guidelines, 2015. Collection method: clinical testing. Allele origin: germline.

PreventionGenetics, part of Exact Sciences
Classification: Likely benign for FANCA-related condition. Last evaluated: 2022-11-10. Review status: no assertion criteria provided. Collection method: clinical testing. Allele origin: germline. Not counted in ClinVar's aggregate classification.
Comment: This variant is classified as likely benign based on ACMG/AMP sequence variant interpretation guidelines (Richards et al. 2015 PMID: 25741868, with internal and published modifications).